The following is an entry in ClinVar:

ClinVar aggregate classification (germline): Uncertain significance (1 of 4 stars; one submission).

Submission:

Labcorp Genetics (formerly Invitae), Labcorp
Classification: Uncertain significance. Last evaluated: 2025-12-16. Review status: criteria provided, single submitter. Criteria: Invitae Variant Classification Sherloc (09022015). Collection method: clinical testing. Allele origin: germline.
Comment: This sequence change replaces arginine, which is basic and polar, with cysteine, which is neutral and slightly polar, at codon 104 of the RPL18 protein (p.Arg104Cys). This variant is not present in population databases (gnomAD no frequency). This variant has not been reported in the literature in individuals affected with RPL18-related conditions. An algorithm developed to predict the effect of missense changes on protein structure and function (PolyPhen-2) suggests that this variant is likely to be tolerated. In summary, the available evidence is currently insufficient to determine the role of this variant in disease. Therefore, it has been classified as a Variant of Uncertain Significance.

NM_000979.4(RPL18):c.310C>T (p.Arg104Cys)

Gene: RPL18 (ribosomal protein L18; minus strand). Cytogenetic location: 19q13.33.
Variant type: single nucleotide variant.
Coding change: c.310C>T on transcript NM_000979.4 (MANE Select); coding-DNA position 310, C replaced by T.
Protein change: p.Arg104Cys; replaces arginine 104 with cysteine.
Molecular consequence: missense variant. On other transcripts: non-coding transcript variant (1).
Genome position (GRCh38, 1-based): chr19:48,616,190, G>A on the plus strand (C>T on the coding strand, the complement: RPL18 is on the minus strand). VCF-style: chr19-48616190-G-A. GRCh37 (hg19) VCF-style: chr19-49119447-G-A.
Other names: c.223C>T, p.Arg75Cys (NM_001270490.2); short protein forms R75C, R104C.
Identifiers: ClinVar variation 4741384 (VCV004741384.1).
Genomic context (GRCh38, chr19:48,616,190, plus strand): 5'-CGAAAGTGAGGATCTTGCCCCCTGCCCTGAGGATGCGGCTGCGGGCCCGGCTGGTCACGC[G>A]CAGTGCACATACCTGGTGGAGAGGACAAGGCTGGCGGGTCAGACCCCTGCGTGGTCACCC-3'
Protein context (NP_000970.1, residues 94-114): EVPKLKVCAL[Arg104Cys]VTSRARSRIL